The following is an entry in ClinVar:

ClinVar aggregate classification (germline): Benign/Likely benign. Review status: criteria provided, multiple submitters, no conflicts (2 of 4 stars). 12 submissions from 12 submitters: Benign (3); Likely benign (6). 3 of the submissions do not count toward it. Last evaluated 2026-04-01.

Conditions:
Alagille syndrome due to a JAG1 point mutation. Also called: HEPATIC DUCTULAR HYPOPLASIA, SYNDROMATIC; JAG1-Related Alagille Syndrome; Alagille Syndrome 1. Identifiers: Orphanet 261619, Orphanet 52, MedGen C1956125, MONDO:0016862, OMIM 118450.
Charcot-Marie-Tooth disease, axonal, Type 2HH. Also called: CHARCOT-MARIE-TOOTH NEUROPATHY, TYPE 2HH. Identifiers: MedGen C5562003, MONDO:0030458, OMIM 619574.
Tetralogy of Fallot (TOF). Identifiers: Orphanet 3303, MedGen C0039685, MONDO:0008542, OMIM 187500, HP:0001636.
Deafness, congenital heart defects, and posterior embryotoxon (DCHE). Identifiers: MedGen C1866053, MONDO:0060713, OMIM 617992.
Isolated Nonsyndromic Congenital Heart Disease.
Cardiovascular phenotype. Identifiers: MedGen CN230736.

Allele frequency attached by ClinVar (database versions not stated): TOPMed 0.00105; gnomAD exomes 0.00108 and 0.00157; gnomAD 0.00119 and 0.00121; 1000 Genomes Project 0.00120; ExAC 0.00121; 1000 Genomes Project 30x 0.00125; ESP Exome Variant Server 0.00131.
gnomAD v4.1: 2,452 of 1,614,102 alleles (0.15%); highest among the groups gnomAD compares: Non-Finnish European, 0.19%; 4 homozygotes.

Submissions (12):

CeGaT Center for Human Genetics Tuebingen
Classification: Likely benign. Last evaluated: 2026-04-01. Review status: criteria provided, single submitter. Criteria: CeGaT Center For Human Genetics Tuebingen Variant Classification Criteria Version 2. Collection method: clinical testing. Allele origin: germline. Affected: yes. Observed: 8 variant alleles.
Comment: JAG1: BP4, BP7, BS1

Labcorp Genetics (formerly Invitae), Labcorp
Classification: Benign for Alagille syndrome due to a JAG1 point mutation. Last evaluated: 2026-01-22. Review status: criteria provided, single submitter. Criteria: Invitae Variant Classification Sherloc (09022015). Collection method: clinical testing. Allele origin: germline.

Mayo Clinic Laboratories, Mayo Clinic
Classification: Benign. Last evaluated: 2025-05-16. Review status: criteria provided, single submitter. Criteria: ACMG Guidelines, 2015. Collection method: clinical testing. Allele origin: germline. Observed: 1 variant allele.
Comment: BS1, BS2, BP4, BP7

Blueprint Genetics
Classification: Likely benign. Last evaluated: 2024-11-27. Review status: criteria provided, single submitter. Criteria: ACMG Guidelines, 2015. Collection method: clinical testing. Allele origin: germline.

Fulgent Genetics
Classification: Likely benign for Alagille syndrome due to a JAG1 point mutation; Tetralogy of Fallot; Deafness, congenital heart defects, and posterior embryotoxon; Charcot-Marie-Tooth disease, axonal, Type 2HH. Last evaluated: 2021-10-18. Review status: criteria provided, single submitter. Criteria: ACMG Guidelines, 2015. Collection method: clinical testing. Allele origin: unknown.

Illumina Laboratory Services, Illumina
Classification: Benign for Isolated Nonsyndromic Congenital Heart Disease. Last evaluated: 2018-01-13. Review status: criteria provided, single submitter. Criteria: ICSL Variant Classification Criteria 13 December 2019. Collection method: clinical testing. Allele origin: germline.
Comment: This variant was observed in the ICSL laboratory as part of a predisposition screen in an ostensibly healthy population. It had not been previously curated by ICSL or reported in the Human Gene Mutation Database (HGMD: prior to June 1st, 2018), and was therefore a candidate for classification through an automated scoring system. Utilizing variant allele frequency, disease prevalence and penetrance estimates, and inheritance mode, an automated score was calculated to assess if this variant is too frequent to cause the disease. Based on the score and internal cut-off values, a variant classified as benign is not then subjected to further curation. The score for this variant resulted in a classification of benign for this disease.

Ambry Genetics
Classification: Likely benign for Cardiovascular phenotype. Last evaluated: 2016-01-10. Review status: criteria provided, single submitter. Criteria: Ambry Variant Classification Scheme 2023. Collection method: clinical testing. Allele origin: germline.

Eurofins Ntd Llc (ga)
Classification: Likely benign. Last evaluated: 2015-07-31. Review status: criteria provided, single submitter. Criteria: EGL Classification Definitions 2015. Collection method: clinical testing. Allele origin: germline. Observed: 1 variant allele, 1 heterozygote.

Breakthrough Genomics
Classification: Likely benign. Review status: criteria provided, single submitter. Criteria: ACMG Guidelines, 2015. Collection method: not provided. Allele origin: germline. Inheritance: Autosomal dominant inheritance. Affected: yes.

Clinical Genetics DNA and cytogenetics Diagnostics Lab, Erasmus MC, Erasmus Medical Center
Classification: Benign. Review status: no assertion criteria provided. Collection method: clinical testing. Allele origin: germline. Affected: yes. Study: VKGL Data-share Consensus. Not counted in ClinVar's aggregate classification.

Clinical Genetics, Academic Medical Center
Classification: Benign. Review status: no assertion criteria provided. Collection method: clinical testing. Allele origin: germline. Affected: yes. Study: VKGL Data-share Consensus. Not counted in ClinVar's aggregate classification.

Genome Diagnostics Laboratory, University Medical Center Utrecht
Classification: Benign. Review status: no assertion criteria provided. Collection method: clinical testing. Allele origin: germline. Affected: yes. Study: VKGL Data-share Consensus. Not counted in ClinVar's aggregate classification.

NM_000214.3(JAG1):c.909T>C (p.His303=)

Gene: JAG1 (jagged canonical Notch ligand 1; minus strand). Cytogenetic location: 20p12.2.
Variant type: single nucleotide variant.
Coding change: c.909T>C on transcript NM_000214.3 (MANE Select); coding-DNA position 909, T replaced by C.
Protein change: p.His303=; no amino-acid change (histidine 303 retained).
Molecular consequence: synonymous variant.
Genome position (GRCh38, 1-based): chr20:10,652,228, A>G on the plus strand (T>C on the coding strand, the complement: JAG1 is on the minus strand). VCF-style: chr20-10652228-A-G. GRCh37 (hg19) VCF-style: chr20-10632876-A-G.
Other names: p.His303=; c.909T>C, p.His303= (LRG_1191t1).
Identifiers: ClinVar variation 213525 (VCV000213525.47), dbSNP rs139574260, ClinGen allele CA320202.